The following is an entry in ClinVar:

NM_030962.4(SBF2):c.5468G>A (p.Arg1823His)

Genes: SBF2 (SET binding factor 2; minus strand), SBF2-AS1 (SBF2 antisense RNA 1; plus strand). Cytogenetic location: 11p15.4.
Variant type: single nucleotide variant.
Coding change: c.5468G>A on transcript NM_030962.4 (MANE Select); coding-DNA position 5468, G replaced by A.
Protein change: p.Arg1823His; replaces arginine 1823 with histidine.
Molecular consequence: missense variant.
Genome position (GRCh38, 1-based): chr11:9,780,500, C>T on the plus strand (G>A on the coding strand, the complement: SBF2 is on the minus strand). VCF-style: chr11-9780500-C-T. GRCh37 (hg19) VCF-style: chr11-9802047-C-T.
Other names: c.5564G>A, p.Arg1855His (NM_001386339.1); c.5339G>A, p.Arg1780His (NM_001386342.1); short protein forms R1823H, R1780H, R1855H.
Identifiers: ClinVar variation 864730 (VCV000864730.12), dbSNP rs369992460, ClinGen allele CA5880693.
Genomic context (GRCh38, chr11:9,780,500, plus strand): 5'-TGGATCTTGTCCATCCATTGCTGGGCACTCTGTCCATCCTGGGCGCAGAAGTTATACACA[C>T]GTTTGCTGGTCTTGAGCTACAAAACCAAATGACAGTGAACCAGAGATGAAGGGCAGGGCT-3'
Protein context (NP_112224.1, residues 1813-1833): KAFFDLKTSK[Arg1823His]VYNFCAQDGQ

ClinVar aggregate classification (germline): Uncertain significance. Review status: criteria provided, multiple submitters, no conflicts (2 of 4 stars). 3 submissions from 3 submitters: Uncertain significance (3). Last evaluated 2025-01-08.

Conditions:
Charcot-Marie-Tooth disease type 4. Also called: Charcot-Marie-Tooth disease, type IV; Charcot-Marie-Tooth, Type 4. Identifiers: Orphanet 64749, MedGen C4082197, MONDO:0018995.
Inborn genetic diseases. Identifiers: MedGen C0950123, MeSH D030342.

Allele frequency attached by ClinVar (database versions not stated): gnomAD exomes below 0.00001; ExAC 0.00001; gnomAD 0.00002 and 0.00003; TOPMed 0.00002; ESP Exome Variant Server 0.00008.
gnomAD v4.1: 36 of 1,613,984 alleles (0.0022%); highest among the groups gnomAD compares: Middle Eastern, 0.016%; no homozygotes.

Submissions (3):

GeneDx
Classification: Uncertain significance. Last evaluated: 2025-01-08. Review status: criteria provided, single submitter. Criteria: GeneDx Variant Classification Process June 2021. Collection method: clinical testing. Allele origin: germline. Affected: yes.
Comment: Not observed at significant frequency in large population cohorts (gnomAD); In silico analysis supports that this missense variant has a deleterious effect on protein structure/function; Has not been previously published as pathogenic or benign to our knowledge

Ambry Genetics
Classification: Uncertain significance for Inborn genetic diseases. Last evaluated: 2024-11-10. Review status: criteria provided, single submitter. Criteria: Ambry Variant Classification Scheme 2023. Collection method: clinical testing. Allele origin: germline.

Labcorp Genetics (formerly Invitae), Labcorp
Classification: Uncertain significance for Charcot-Marie-Tooth disease type 4. Last evaluated: 2021-08-27. Review status: criteria provided, single submitter. Criteria: Invitae Variant Classification Sherloc (09022015). Collection method: clinical testing. Allele origin: germline.
Comment: This sequence change replaces arginine with histidine at codon 1823 of the SBF2 protein (p.Arg1823His). The arginine residue is highly conserved and there is a small physicochemical difference between arginine and histidine. This variant is present in population databases (rs369992460, ExAC 0.002%). This variant has not been reported in the literature in individuals affected with SBF2-related conditions. Algorithms developed to predict the effect of missense changes on protein structure and function are either unavailable or do not agree on the potential impact of this missense change (SIFT: "Deleterious"; PolyPhen-2: "Probably Damaging"; Align-GVGD: "Class C0"). In summary, the available evidence is currently insufficient to determine the role of this variant in disease. Therefore, it has been classified as a Variant of Uncertain Significance.